The following is an entry in ClinVar:

ClinVar aggregate classification (germline): Uncertain significance (1 of 4 stars; one submission).

Submission:

Labcorp Genetics (formerly Invitae), Labcorp
Classification: Uncertain significance. Last evaluated: 2025-09-15. Review status: criteria provided, single submitter. Criteria: Invitae Variant Classification Sherloc (09022015). Collection method: clinical testing. Allele origin: germline.
Comment: This sequence change replaces leucine, which is neutral and non-polar, with proline, which is neutral and non-polar, at codon 591 of the SLC24A1 protein (p.Leu591Pro). This variant is not present in population databases (gnomAD no frequency). This variant has not been reported in the literature in individuals affected with SLC24A1-related conditions. ClinVar contains an entry for this variant (Variation ID: 1970347). An algorithm developed to predict the effect of missense changes on protein structure and function (PolyPhen-2) suggests that this variant is likely to be disruptive. In summary, the available evidence is currently insufficient to determine the role of this variant in disease. Therefore, it has been classified as a Variant of Uncertain Significance.

NM_004727.3(SLC24A1):c.1772T>C (p.Leu591Pro)

Gene: SLC24A1 (solute carrier family 24 member 1; plus strand). Cytogenetic location: 15q22.31.
Variant type: single nucleotide variant.
Coding change: c.1772T>C on transcript NM_004727.3 (MANE Select); coding-DNA position 1772, T replaced by C.
Protein change: p.Leu591Pro; replaces leucine 591 with proline.
Molecular consequence: missense variant.
Genome position (GRCh38, 1-based): chr15:65,625,852, T>C. VCF-style: chr15-65625852-T-C. GRCh37 (hg19) VCF-style: chr15-65918190-T-C.
Other names: c.1772T>C, p.Leu591Pro (NM_001301031.1, NM_001301032.1, NM_001301033.2 and 1 more transcripts); short protein forms L591P.
Identifiers: ClinVar variation 1970347 (VCV001970347.5), dbSNP rs2548360745, ClinGen allele CA392918577.